The following is an entry in ClinVar:

NM_004859.4(CLTC):c.2237G>T (p.Arg746Ile)

Gene: CLTC (clathrin heavy chain; plus strand). Cytogenetic location: 17q23.1.
Variant type: single nucleotide variant.
Coding change: c.2237G>T on transcript NM_004859.4 (MANE Select); coding-DNA position 2237, G replaced by T.
Protein change: p.Arg746Ile; replaces arginine 746 with isoleucine.
Molecular consequence: missense variant.
Genome position (GRCh38, 1-based): chr17:59,668,885, G>T. VCF-style: chr17-59668885-G-T. GRCh37 (hg19) VCF-style: chr17-57746246-G-T.
Other names: c.2249G>T, p.Arg750Ile (NM_001288653.2); short protein forms R746I, R750I.
Identifiers: ClinVar variation 1710747 (VCV001710747.3), dbSNP rs2509386880, ClinGen allele CA400413821.

ClinVar aggregate classification (germline): Uncertain significance (1 of 4 stars; one submission).

Submission:

GeneDx
Classification: Uncertain significance. Last evaluated: 2025-06-06. Review status: criteria provided, single submitter. Criteria: GeneDx Variant Classification Process June 2021. Collection method: clinical testing. Allele origin: germline. Affected: yes.
Comment: Not observed at significant frequency in large population cohorts (gnomAD); In silico analysis supports that this missense variant has a deleterious effect on protein structure/function; Has not been previously published as pathogenic or benign to our knowledge